The following is an entry in ClinVar:

ClinVar aggregate classification (germline): Uncertain significance (1 of 4 stars; one submission).

Submission:

Labcorp Genetics (formerly Invitae), Labcorp
Classification: Uncertain significance. Last evaluated: 2023-04-01. Review status: criteria provided, single submitter. Criteria: Invitae Variant Classification Sherloc (09022015). Collection method: clinical testing. Allele origin: germline.
Comment: This sequence change replaces aspartic acid, which is acidic and polar, with glutamic acid, which is acidic and polar, at codon 428 of the COL9A2 protein (p.Asp428Glu). This variant is not present in population databases (gnomAD no frequency). This variant has not been reported in the literature in individuals affected with COL9A2-related conditions. Advanced modeling of protein sequence and biophysical properties (such as structural, functional, and spatial information, amino acid conservation, physicochemical variation, residue mobility, and thermodynamic stability) performed at Invitae indicates that this missense variant is not expected to disrupt COL9A2 protein function. In summary, the available evidence is currently insufficient to determine the role of this variant in disease. Therefore, it has been classified as a Variant of Uncertain Significance.

NM_001852.4(COL9A2):c.1284C>A (p.Asp428Glu)

Gene: COL9A2 (collagen type IX alpha 2 chain; minus strand). Cytogenetic location: 1p34.2.
Variant type: single nucleotide variant.
Coding change: c.1284C>A on transcript NM_001852.4 (MANE Select); coding-DNA position 1284, C replaced by A.
Protein change: p.Asp428Glu; replaces aspartic acid 428 with glutamic acid.
Molecular consequence: missense variant.
Genome position (GRCh38, 1-based): chr1:40,304,323, G>T on the plus strand (C>A on the coding strand, the complement: COL9A2 is on the minus strand). VCF-style: chr1-40304323-G-T. GRCh37 (hg19) VCF-style: chr1-40769995-G-T.
Other names: short protein forms D428E.
Identifiers: ClinVar variation 2800333 (VCV002800333.3), dbSNP rs1370097227, ClinGen allele CA339880815.
Genomic context (GRCh38, chr1:40,304,323, plus strand): 5'-CCCACTCCCCCTGTTATAGGGCCCCTTTCCCAGGTGTTTCCCAGCCCCATCTGGCACCTT[G>T]TCTCCTTTGACGCCTGGCAAGCCTTGGGGCCCTGGAATTCCGGGGGGGCCCTGCTCCCCC-3'
Protein context (NP_001843.1, residues 418-438): GPQGLPGVKG[Asp428Glu]KGSPGKTGPR